The following is an entry in ClinVar:

NM_001166108.2(PALLD):c.2399T>C (p.Leu800Pro)

Genes: CBR4 (carbonyl reductase 4; minus strand), PALLD (palladin, cytoskeletal associated protein; plus strand). Cytogenetic location: 4q32.3.
Variant type: single nucleotide variant.
Coding change: c.2399T>C on transcript NM_001166108.2 (MANE Select); coding-DNA position 2399, T replaced by C.
Protein change: p.Leu800Pro; replaces leucine 800 with proline.
Molecular consequence: missense variant.
Genome position (GRCh38, 1-based): chr4:168,898,641, T>C. VCF-style: chr4-168898641-T-C. GRCh37 (hg19) VCF-style: chr4-169819792-T-C.
Other names: c.1202T>C, p.Leu401Pro (NM_001166109.2); c.887T>C, p.Leu296Pro (NM_001166110.2); c.227T>C, p.Leu76Pro (NM_001367567.1, NM_001367569.1); c.278T>C, p.Leu93Pro (NM_001367568.1, NM_001367570.1); c.2348T>C, p.Leu783Pro (NM_016081.4); c.887T>C (NM_001166110.1); short protein forms L296P, L401P, L76P, L783P, L800P, L93P.
Identifiers: ClinVar variation 1009730 (VCV001009730.9), dbSNP rs1298095064, ClinGen allele CA358799051.

ClinVar aggregate classification (germline): Uncertain significance. Review status: criteria provided, multiple submitters, no conflicts (2 of 4 stars). 2 submissions from 2 submitters: Uncertain significance (2). Last evaluated 2026-01-20.

Conditions:
Pancreatic adenocarcinoma. Identifiers: MedGen C0281361, MONDO:0006047, HP:0006725.

Allele frequency attached by ClinVar (database versions not stated): gnomAD exomes below 0.00001.
gnomAD v4.1: 1 of 1,614,140 alleles (0.000062%); no homozygotes.

Submissions (2):

Ambry Genetics
Classification: Uncertain significance. Last evaluated: 2026-01-20. Review status: criteria provided, single submitter. Criteria: Ambry Variant Classification Scheme 2023. Collection method: clinical testing. Allele origin: germline.
Comment: The p.L296P variant (also known as c.887T>C), located in coding exon 4 of the PALLD gene, results from a T to C substitution at nucleotide position 887. The leucine at codon 296 is replaced by proline, an amino acid with similar properties. This amino acid position is conserved. In addition, this alteration is predicted to be deleterious by in silico analysis. Based on the available evidence, the clinical significance of this variant remains unclear.

Labcorp Genetics (formerly Invitae), Labcorp
Classification: Uncertain significance for Pancreatic adenocarcinoma. Last evaluated: 2020-02-10. Review status: criteria provided, single submitter. Criteria: Invitae Variant Classification Sherloc (09022015). Collection method: clinical testing. Allele origin: germline.
Comment: In summary, the available evidence is currently insufficient to determine the role of this variant in disease. Therefore, it has been classified as a Variant of Uncertain Significance. Algorithms developed to predict the effect of missense changes on protein structure and function are either unavailable or do not agree on the potential impact of this missense change (SIFT: "Deleterious"; PolyPhen-2: "Benign"; Align-GVGD: "Class C65"). This variant has not been reported in the literature in individuals with PALLD-related conditions. This variant is not present in population databases (ExAC no frequency). This sequence change replaces leucine with proline at codon 296 of the PALLD protein (p.Leu296Pro). The leucine residue is highly conserved and there is a moderate physicochemical difference between leucine and proline.